The following is an entry in ClinVar:

NM_144687.4(NLRP12):c.2698G>A (p.Gly900Arg)

Gene: NLRP12 (NLR family pyrin domain containing 12; minus strand). Cytogenetic location: 19q13.42.
Variant type: single nucleotide variant.
Coding change: c.2698G>A on transcript NM_144687.4 (MANE Select); coding-DNA position 2698, G replaced by A.
Protein change: p.Gly900Arg; replaces glycine 900 with arginine.
Molecular consequence: missense variant.
Genome position (GRCh38, 1-based): chr19:53,801,285, C>T on the plus strand (G>A on the coding strand, the complement: NLRP12 is on the minus strand). VCF-style: chr19-53801285-C-T. GRCh37 (hg19) VCF-style: chr19-54304539-C-T.
Other names: c.2701G>A, p.Gly901Arg (NM_001277126.2); c.2698G>A, p.Gly900Arg (NM_001277129.1); short protein forms G900R, G901R.
Identifiers: ClinVar variation 4700933 (VCV004700933.1).

ClinVar aggregate classification (germline): Uncertain significance (1 of 4 stars; one submission).

Conditions:
Familial cold autoinflammatory syndrome 2 (FCAS2). Identifiers: Orphanet 247868, MedGen C2673198, MONDO:0012724, OMIM 611762.

gnomAD v4.1: 12 of 1,613,764 alleles (0.00074%); highest among the groups gnomAD compares: East Asian, 0.0022%; no homozygotes.

Submission:

Labcorp Genetics (formerly Invitae), Labcorp
Classification: Uncertain significance for Familial cold autoinflammatory syndrome 2. Last evaluated: 2025-09-17. Review status: criteria provided, single submitter. Criteria: Invitae Variant Classification Sherloc (09022015). Collection method: clinical testing. Allele origin: germline.
Comment: This sequence change replaces glycine, which is neutral and non-polar, with arginine, which is basic and polar, at codon 900 of the NLRP12 protein (p.Gly900Arg). This variant is present in population databases (rs199625646, gnomAD 0.007%). This variant has not been reported in the literature in individuals affected with NLRP12-related conditions. An algorithm developed to predict the effect of missense changes on protein structure and function (PolyPhen-2) suggests that this variant is likely to be disruptive. In summary, the available evidence is currently insufficient to determine the role of this variant in disease. Therefore, it has been classified as a Variant of Uncertain Significance.